The following is an entry in ClinVar:

NM_000821.7(GGCX):c.1156-1G>A

Gene: GGCX (gamma-glutamyl carboxylase; minus strand). Cytogenetic location: 2p11.2.
Variant type: single nucleotide variant.
Coding change: c.1156-1G>A on transcript NM_000821.7 (MANE Select); the canonical splice acceptor site of the intron before coding-DNA position 1156, G replaced by A.
Molecular consequence: splice acceptor variant.
Genome position (GRCh38, 1-based): chr2:85,553,071, C>T on the plus strand (G>A on the coding strand, the complement: GGCX is on the minus strand). VCF-style: chr2-85553071-C-T. GRCh37 (hg19) VCF-style: chr2-85780194-C-T.
Other names: c.985-1G>A (NM_001142269.4).
Identifiers: ClinVar variation 2015394 (VCV002015394.4), dbSNP rs2529679431, ClinGen allele CA347487234.

ClinVar aggregate classification (germline): Likely pathogenic (1 of 4 stars; one submission).

Allele frequency attached by ClinVar (database versions not stated): gnomAD exomes below 0.00001.
gnomAD v4.1: 1 of 1,614,186 alleles (0.000062%); highest among the groups gnomAD compares: Non-Finnish European, 0.000085%; no homozygotes.

Submission:

Labcorp Genetics (formerly Invitae), Labcorp
Classification: Likely pathogenic. Last evaluated: 2024-10-21. Review status: criteria provided, single submitter. Criteria: Invitae Variant Classification Sherloc (09022015). Collection method: clinical testing. Allele origin: germline.
Comment: This sequence change affects an acceptor splice site in intron 8 of the GGCX gene. It is expected to disrupt RNA splicing. Variants that disrupt the donor or acceptor splice site typically lead to a loss of protein function (PMID: 16199547), and loss-of-function variants in GGCX are known to be pathogenic (PMID: 17110937, 17327402, 24520408). This variant is not present in population databases (gnomAD no frequency). This variant has not been reported in the literature in individuals affected with GGCX-related conditions. ClinVar contains an entry for this variant (Variation ID: 2015394). Algorithms developed to predict the effect of sequence changes on RNA splicing suggest that this variant may disrupt the consensus splice site. In summary, the currently available evidence indicates that the variant is pathogenic, but additional data are needed to prove that conclusively. Therefore, this variant has been classified as Likely Pathogenic.

Literature cited by the submitters: PubMed 16199547; PubMed 17110937; PubMed 17327402; PubMed 24520408.